The following is an entry in ClinVar:

NM_001330260.2(SCN8A):c.2479C>T (p.Leu827Phe)

Gene: SCN8A (sodium voltage-gated channel alpha subunit 8; plus strand). Cytogenetic location: 12q13.13.
Variant type: single nucleotide variant.
Coding change: c.2479C>T on transcript NM_001330260.2 (MANE Select); coding-DNA position 2479, C replaced by T.
Protein change: p.Leu827Phe; replaces leucine 827 with phenylalanine.
Molecular consequence: missense variant.
Genome position (GRCh38, 1-based): chr12:51,762,611, C>T. VCF-style: chr12-51762611-C-T. GRCh37 (hg19) VCF-style: chr12-52156395-C-T.
Other names: c.2479C>T, p.Leu827Phe (NM_001177984.3, NM_001369788.1, NM_014191.4); short protein forms L827F.
Identifiers: ClinVar variation 2728270 (VCV002728270.3), dbSNP rs2540254063, ClinGen allele CA384884289.

ClinVar aggregate classification (germline): Uncertain significance (1 of 4 stars; one submission).

Conditions:
Early-infantile DEE. Also called: Early infantile epileptic encephalopathy; Early infantile epileptic encephalopathy with suppression bursts; Ohtahara syndrome. Identifiers: Orphanet 1934, MedGen C0393706, MONDO:0800491.

Submission:

Labcorp Genetics (formerly Invitae), Labcorp
Classification: Uncertain significance for Early-infantile DEE. Last evaluated: 2024-04-14. Review status: criteria provided, single submitter. Criteria: Invitae Variant Classification Sherloc (09022015). Collection method: clinical testing. Allele origin: germline.
Comment: This sequence change replaces leucine, which is neutral and non-polar, with phenylalanine, which is neutral and non-polar, at codon 827 of the SCN8A protein (p.Leu827Phe). This variant is not present in population databases (gnomAD no frequency). This variant has not been reported in the literature in individuals affected with SCN8A-related conditions. Advanced modeling of protein sequence and biophysical properties (such as structural, functional, and spatial information, amino acid conservation, physicochemical variation, residue mobility, and thermodynamic stability) performed at Invitae indicates that this missense variant is expected to disrupt SCN8A protein function with a positive predictive value of 95%. In summary, the available evidence is currently insufficient to determine the role of this variant in disease. Therefore, it has been classified as a Variant of Uncertain Significance.